The following is an entry in ClinVar:

ClinVar aggregate classification (germline): Conflicting classifications of pathogenicity. Review status: criteria provided, conflicting classifications (1 of 4 stars). 4 submissions from 4 submitters: Uncertain significance (1); Benign (1). 2 of the submissions do not count toward it. Last evaluated 2026-08-01.

Conditions:
HAVCR2-related disorder. Also called: HAVCR2-related condition.
Subcutaneous panniculitis-like T-cell lymphoma (SPTCL). Identifiers: Orphanet 86884, MedGen C0522624, MONDO:0019475, OMIM 618398, HP:0034403.

Allele frequency attached by ClinVar (database versions not stated): 1000 Genomes Project 30x 0.00187; 1000 Genomes Project 0.00200; ESP Exome Variant Server 0.00284; TOPMed 0.00300; gnomAD exomes 0.00436 and 0.00639; gnomAD 0.00528 and 0.00543; ExAC 0.00590.
gnomAD v4.1: 7,228 of 1,614,200 alleles (0.45%); highest among the groups gnomAD compares: Non-Finnish European, 0.34%; 42 homozygotes.

Submissions (4):

CeGaT Center for Human Genetics Tuebingen
Classification: Benign. Last evaluated: 2026-08-01. Review status: criteria provided, single submitter. Criteria: CeGaT Center For Human Genetics Tuebingen Variant Classification Criteria Version 2. Collection method: clinical testing. Allele origin: germline. Affected: yes. Observed: 19 variant alleles.
Comment: HAVCR2: BP4, BS1, BS2

Blueprint Genetics
Classification: Uncertain significance. Last evaluated: 2024-11-13. Review status: criteria provided, single submitter. Criteria: ACMG Guidelines, 2015. Collection method: clinical testing. Allele origin: germline.

PreventionGenetics, part of Exact Sciences
Classification: Benign for HAVCR2-related condition. Last evaluated: 2019-05-21. Review status: no assertion criteria provided. Collection method: clinical testing. Allele origin: germline. Not counted in ClinVar's aggregate classification.
Comment: This variant is classified as benign based on ACMG/AMP sequence variant interpretation guidelines (Richards et al. 2015 PMID: 25741868, with internal and published modifications).

OMIM
Classification: risk factor for T-CELL LYMPHOMA, SUBCUTANEOUS PANNICULITIS-LIKE, SUSCEPTIBILITY TO. Last evaluated: 2019-04-24. Review status: no assertion criteria provided. Collection method: literature only. Allele origin: germline. Not counted in ClinVar's aggregate classification.

Literature cited by the submitters: PubMed 30792187 (cited by OMIM).

NM_032782.5(HAVCR2):c.302C>T (p.Thr101Ile)

Gene: HAVCR2 (hepatitis A virus cellular receptor 2; minus strand). Cytogenetic location: 5q33.3.
Variant type: single nucleotide variant.
Coding change: c.302C>T on transcript NM_032782.5 (MANE Select); coding-DNA position 302, C replaced by T.
Protein change: p.Thr101Ile; replaces threonine 101 with isoleucine.
Molecular consequence: missense variant.
Genome position (GRCh38, 1-based): chr5:157,106,719, G>A on the plus strand (C>T on the coding strand, the complement: HAVCR2 is on the minus strand). VCF-style: chr5-157106719-G-A. GRCh37 (hg19) VCF-style: chr5-156533730-G-A.
Other names: HAVCR2, THR101ILE (rs147827860); c.302C>T (NM_032782.4); short protein forms T101I.
Identifiers: ClinVar variation 626254 (VCV000626254.34), dbSNP rs147827860, ClinGen allele CA3531965.